The following is an entry in ClinVar:

NM_000059.4(BRCA2):c.1496A>G (p.Gln499Arg)

Gene: BRCA2 (BRCA2 DNA repair associated; plus strand). Cytogenetic location: 13q13.1.
Variant type: single nucleotide variant.
Coding change: c.1496A>G on transcript NM_000059.4 (MANE Select); coding-DNA position 1496, A replaced by G.
Protein change: p.Gln499Arg; replaces glutamine 499 with arginine.
Molecular consequence: missense variant.
Genome position (GRCh38, 1-based): chr13:32,332,974, A>G. VCF-style: chr13-32332974-A-G. GRCh37 (hg19) VCF-style: chr13-32907111-A-G.
Other names: short protein forms Q499R.
Identifiers: ClinVar variation 51133 (VCV000051133.4), dbSNP rs397507590, ClinGen allele CA012224.
Genomic context (GRCh38, chr13:32,332,974, plus strand): 5'-ACTGCATTCTTGCAGTAAAGCAGGCAATATCTGGAACTTCTCCAGTGGCTTCTTCATTTC[A>G]GGGTATCAAAAAGTCTATATTCAGAATAAGAGAATCACCTAAAGAGACTTTCAATGCAAG-3'
Protein context (NP_000050.3, residues 489-509): SGTSPVASSF[Gln499Arg]GIKKSIFRIR

ClinVar aggregate classification (germline): Likely benign. Review status: criteria provided, single submitter (1 of 4 stars). 2 submissions from 2 submitters: Likely benign (1). 1 of the submissions does not count toward it. Last evaluated 2023-03-23.

Conditions:
Hereditary cancer-predisposing syndrome. Also called: Neoplastic Syndromes, Hereditary; Tumor predisposition; Hereditary Cancer Syndrome; Hereditary neoplastic syndrome. Identifiers: Orphanet 140162, MedGen C0027672, MeSH D009386, MONDO:0015356.
Familial cancer of breast. Also called: BREAST CANCER, FAMILIAL; Hereditary breast cancer; hereditary breast carcinoma. Identifiers: Orphanet 227535, MedGen C0346153, MONDO:0016419, OMIM 114480. Disease mechanism: loss of function.

Submissions (2):

University of Washington Department of Laboratory Medicine, University of Washington
Classification: Likely benign for Hereditary cancer-predisposing syndrome. Last evaluated: 2023-03-23. Review status: criteria provided, single submitter. Criteria: Dines et al. (Genet Med. 2020). Collection method: curation. Allele origin: germline.
Comment: Missense variant in a coldspot region where missense variants are very unlikely to be pathogenic (PMID:31911673).

BRCA2 exon 10 coldspot. Reclassification based on statistical prior probability.

ClinVar Staff, National Center for Biotechnology Information (NCBI)
No classification provided. Condition: Familial cancer of breast. Review status: no classification provided. Collection method: literature only. Allele origin: germline. Affected: yes. Not counted in ClinVar's aggregate classification.

Literature cited by the submitters: PubMed 16847550 (cited by ClinVar Staff, National Center for Biotechnology Information (NCBI)).